The following is an entry in ClinVar:

ClinVar aggregate classification (germline): Uncertain significance. Review status: criteria provided, multiple submitters, no conflicts (2 of 4 stars). 2 submissions from 2 submitters: Uncertain significance (2). Last evaluated 2026-04-13.

Conditions:
POLD1-related polyposis and colorectal cancer syndrome (CRCS10). Also called: Colorectal cancer 10; Colorectal cancer, susceptibility to, 10; COLORECTAL CANCER, SUSCEPTIBILITY TO, ON CHROMOSOME 19q. Identifiers: Orphanet 220460, MedGen C2675481, MONDO:0012953, OMIM 612591.
Hereditary cancer-predisposing syndrome. Also called: Tumor predisposition; Hereditary Cancer Syndrome; Hereditary neoplastic syndrome; Neoplastic Syndromes, Hereditary. Identifiers: Orphanet 140162, MedGen C0027672, MeSH D009386, MONDO:0015356.

Submissions (2):

Ambry Genetics
Classification: Uncertain significance for Hereditary cancer-predisposing syndrome. Last evaluated: 2026-04-13. Review status: criteria provided, single submitter. Criteria: Ambry Variant Classification Scheme 2023. Collection method: clinical testing. Allele origin: germline.
Comment: The c.2538delC variant, located in coding exon 19 of the POLD1 gene, results from a deletion of one nucleotide at nucleotide position 2538, causing a translational frameshift with a predicted alternate stop codon (p.S847Hfs*41). This variant is expected to result in protein truncation or nonsense-mediated mRNA decay. However, loss of function has not been established as a mechanism of disease. Based on the available evidence, the clinical significance of this variant remains unclear.

Labcorp Genetics (formerly Invitae), Labcorp
Classification: Uncertain significance for POLD1-related polyposis and colorectal cancer syndrome. Last evaluated: 2023-11-16. Review status: criteria provided, single submitter. Criteria: Invitae Variant Classification Sherloc (09022015). Collection method: clinical testing. Allele origin: germline.
Comment: This sequence change creates a premature translational stop signal (p.Ser847Hisfs*41) in the POLD1 gene. Missense variants that disrupt the 3'-5' exonuclease (proof-reading) activity of the POLD1 protein are associated with PPAP (polymerase proofreading–associated polyposis) (PMID: 23263490, 23447401). However, loss-of-function variants that result in an absent or severely disrupted POLD1 protein, and missense variants outside the exonuclease domain, are unlikely to be associated with PPAP. This variant is not present in population databases (gnomAD no frequency). This variant has not been reported in the literature in individuals affected with POLD1-related conditions. In summary, the available evidence is currently insufficient to determine the role of this variant in disease. Therefore, it has been classified as a Variant of Uncertain Significance.

Literature cited by the submitters: PubMed 23263490 (cited by Labcorp Genetics (formerly Invitae), Labcorp); PubMed 23447401 (cited by Labcorp Genetics (formerly Invitae), Labcorp).

NM_002691.4(POLD1):c.2538del (p.Ser847fs)

Gene: POLD1 (DNA polymerase delta 1, catalytic subunit; plus strand). Cytogenetic location: 19q13.33.
Variant type: Deletion.
Coding change: c.2538del on transcript NM_002691.4 (MANE Select); coding-DNA position 2538, one base deleted (C; older notation c.2538delC).
Protein change: p.Ser847fs; shifts the reading frame from serine 847.
Molecular consequence: frameshift variant. On other transcripts: non-coding transcript variant (1).
Genome position (GRCh38, 1-based): chr19:50,414,964, C deleted; the last of 2 consecutive C bases (chr19:50,414,963-50,414,964); deleting either gives the same sequence. VCF-style (leftmost placement, unchanged base first): chr19-50414962-GC-G. GRCh37 (hg19) VCF-style: chr19-50918219-GC-G.
Other names: c.2538del, p.Ser847fs (NM_001256849.1); c.2616del, p.Ser873fs (NM_001308632.1); c.2538delC (NM_002691.2); short protein forms S847fs, S873fs.
Identifiers: ClinVar variation 2696354 (VCV002696354.4), dbSNP rs2514048939, ClinGen allele CA2697552008.
Genomic context (GRCh38, chr19:50,414,962, plus strand): 5'-TGCAAGGGCCTGGAGGCCGTGCGCAGGGACAACTGCCCCCTCGTGGCCAACCTGGTCACT[GC>G]CTCACTGCGCCGCCTGCTCATCGACCGGTGTGTGGGGCCTCCTCCCTCAGACTCAGGGGG-3'